The following is an entry in ClinVar:

NM_001904.4(CTNNB1):c.1849dup (p.Val617fs)

Gene: CTNNB1 (catenin beta 1; plus strand). Cytogenetic location: 3p22.1.
Variant type: Duplication.
Coding change: c.1849dup on transcript NM_001904.4 (MANE Select); coding-DNA position 1849, one base duplicated (G; older notation c.1849dupG).
Protein change: p.Val617fs; shifts the reading frame from valine 617.
Molecular consequence: frameshift variant.
Genome position (GRCh38, 1-based): chr3:41,236,394, G duplicated; the last of 4 consecutive G bases (chr3:41,236,391-41,236,394); duplicating any one gives the same sequence. VCF-style (leftmost placement, unchanged base first): chr3-41236390-A-AG. GRCh37 (hg19) VCF-style: chr3-41277881-A-AG.
Other names: c.1849dup, p.Val617fs (NM_001098209.2, NM_001098210.2); c.1828dup, p.Val610fs (NM_001330729.2); short protein forms V617fs, V610fs.
Identifiers: ClinVar variation 2757077 (VCV002757077.3), dbSNP rs2470847019, ClinGen allele CA2586972077.

ClinVar aggregate classification (germline): Pathogenic (1 of 4 stars; one submission).

Submission:

Labcorp Genetics (formerly Invitae), Labcorp
Classification: Pathogenic. Last evaluated: 2023-05-30. Review status: criteria provided, single submitter. Criteria: Invitae Variant Classification Sherloc (09022015). Collection method: clinical testing. Allele origin: germline.
Comment: This sequence change creates a premature translational stop signal (p.Val617Glyfs*4) in the CTNNB1 gene. It is expected to result in an absent or disrupted protein product. Loss-of-function variants in CTNNB1 are known to be pathogenic (PMID: 23033978, 24614104, 25326669, 26350204, 28575650). This variant is not present in population databases (gnomAD no frequency). This premature translational stop signal has been observed in individual(s) with CTNNB1-related disorders (PMID: 34558805). For these reasons, this variant has been classified as Pathogenic.

Literature cited by the submitters: PubMed 23033978; PubMed 24614104; PubMed 25326669; PubMed 26350204; PubMed 28575650; PubMed 34558805.